The following is an entry in ClinVar:

NM_138694.4(PKHD1):c.12021C>T (p.Leu4007=)

Gene: PKHD1 (PKHD1 ciliary IPT domain containing fibrocystin/polyductin; minus strand). Cytogenetic location: 6p12.3.
Variant type: single nucleotide variant.
Coding change: c.12021C>T on transcript NM_138694.4 (MANE Select); coding-DNA position 12021, C replaced by T.
Protein change: p.Leu4007=; no amino-acid change (leucine 4007 retained).
Molecular consequence: synonymous variant.
Genome position (GRCh38, 1-based): chr6:51,619,285, G>A on the plus strand (C>T on the coding strand, the complement: PKHD1 is on the minus strand). VCF-style: chr6-51619285-G-A. GRCh37 (hg19) VCF-style: chr6-51484083-G-A.
Other names: c.12021C>T (NM_138694.3).
Identifiers: ClinVar variation 1082129 (VCV001082129.10), dbSNP rs761543328, ClinGen allele CA3850636.

ClinVar aggregate classification (germline): Likely benign. Review status: criteria provided, multiple submitters, no conflicts (2 of 4 stars). 2 submissions from 2 submitters: Likely benign (2). Last evaluated 2025-08-08.

Conditions:
Autosomal recessive polycystic kidney disease (ARPKD). Also called: AR polycystic kidney disease. Identifiers: Orphanet 731, Orphanet 8378, MedGen C0085548, MeSH D017044, MONDO:0009889.
PKHD1-related disorder. Also called: PKHD1-related condition.

Allele frequency attached by ClinVar (database versions not stated): ExAC 0.00002.

Submissions (2):

PreventionGenetics, part of Exact Sciences
Classification: Likely benign for PKHD1-related condition. Last evaluated: 2025-08-08. Review status: criteria provided, single submitter. Criteria: ACMG Guidelines, 2015. Collection method: clinical testing. Allele origin: germline.
Comment: This variant is classified as likely benign based on ACMG/AMP sequence variant interpretation guidelines (Richards et al. 2015 PMID: 25741868, with internal and published modifications).

Labcorp Genetics (formerly Invitae), Labcorp
Classification: Likely benign for Autosomal recessive polycystic kidney disease. Last evaluated: 2023-11-21. Review status: criteria provided, single submitter. Criteria: Invitae Variant Classification Sherloc (09022015). Collection method: clinical testing. Allele origin: germline.